The following is an entry in ClinVar:

ClinVar aggregate classification (germline): Uncertain significance (1 of 4 stars; one submission).

Submission:

Athena Diagnostics
Classification: Uncertain significance. Last evaluated: 2024-09-04. Review status: criteria provided, single submitter. Criteria: Athena Diagnostics Criteria. Collection method: clinical testing. Allele origin: unknown.
Comment: Available data are insufficient to determine the clinical significance of the variant at this time. This variant has not been reported in large, multi-ethnic general populations. Polyphen and MutationTaster predict this amino acid change may be benign.

NM_001244008.2(KIF1A):c.2692A>C (p.Thr898Pro)

Gene: KIF1A (kinesin family member 1A; minus strand). Cytogenetic location: 2q37.3.
Variant type: single nucleotide variant.
Coding change: c.2692A>C on transcript NM_001244008.2 (MANE Select); coding-DNA position 2692, A replaced by C.
Protein change: p.Thr898Pro; replaces threonine 898 with proline.
Molecular consequence: missense variant. On other transcripts: intron variant (18).
Genome position (GRCh38, 1-based): chr2:240,757,485, T>G on the plus strand (A>C on the coding strand, the complement: KIF1A is on the minus strand). VCF-style: chr2-240757485-T-G. GRCh37 (hg19) VCF-style: chr2-241696902-T-G.
Other names: c.2767A>C, p.Thr923Pro (NM_001379631.1); c.2641A>C, p.Thr881Pro (NM_001379632.1); c.2665A>C, p.Thr889Pro (NM_001379633.1, NM_001379642.1, NM_001379645.1); c.2555+875A>C (NM_001379653.1, NM_001379650.1, NM_001379640.1 and 6 more transcripts); c.2657+875A>C (NM_001379635.1, NM_001330290.2, NM_001379646.1 and 1 more transcripts); c.2630+875A>C (NM_001379637.1, NM_001379648.1); c.2582+875A>C (NM_001320705.2, NM_001379638.1, NM_001330289.2); short protein forms T881P, T898P, T889P, T923P.
Identifiers: ClinVar variation 3571692 (VCV003571692.1).